The following is an entry in ClinVar:

ClinVar aggregate classification (germline): Pathogenic (1 of 4 stars; one submission).

Conditions:
Oculocutaneous albinism type 1. Also called: Albinism 1; ALBINISM I. Identifiers: Orphanet 352731, MedGen C0268494, MONDO:0018135. Disease mechanism: loss of function.

Submission:

Department of Clinical Genetics, Copenhagen University Hospital, Rigshospitalet
Classification: Pathogenic for Oculocutaneous albinism type 1. Last evaluated: 2025-05-23. Review status: criteria provided, single submitter. Criteria: ACMG Guidelines, 2015. Collection method: clinical testing. Allele origin: germline.
Comment: The following ACMG criteria has been used: PVS1, PM2_sup, PM3

NM_000372.5(TYR):c.264dup (p.Cys89fs)

Gene: TYR (tyrosinase; plus strand). Cytogenetic location: 11q14.3.
Variant type: Duplication.
Coding change: c.264dup on transcript NM_000372.5 (MANE Select); coding-DNA position 264, one base duplicated (C; older notation c.264dupC).
Protein change: p.Cys89fs; shifts the reading frame from cysteine 89.
Molecular consequence: frameshift variant.
Genome position (GRCh38, 1-based): chr11:89,178,217, C duplicated; the last of 2 consecutive C bases (chr11:89,178,216-89,178,217); duplicating either gives the same sequence. VCF-style (leftmost placement, unchanged base first): chr11-89178215-A-AC. GRCh37 (hg19) VCF-style: chr11-88911383-A-AC.
Other names: c.264dupC (NM_000372.5); short protein forms C89fs.
Identifiers: ClinVar variation 4073695 (VCV004073695.1).